The following is an entry in ClinVar:

NM_001278716.2(FBXL4):c.1344C>T (p.Asn448=)

Gene: FBXL4 (F-box and leucine rich repeat protein 4; minus strand). Cytogenetic location: 6q16.1.
Variant type: single nucleotide variant.
Coding change: c.1344C>T on transcript NM_001278716.2 (MANE Select); coding-DNA position 1344, C replaced by T.
Protein change: p.Asn448=; no amino-acid change (asparagine 448 retained).
Molecular consequence: synonymous variant. On other transcripts: non-coding transcript variant (1).
Genome position (GRCh38, 1-based): chr6:98,880,598, G>A on the plus strand (C>T on the coding strand, the complement: FBXL4 is on the minus strand). VCF-style: chr6-98880598-G-A. GRCh37 (hg19) VCF-style: chr6-99328474-G-A.
Other names: c.1344C>T, p.Asn448= (NM_012160.5).
Identifiers: ClinVar variation 437738 (VCV000437738.1), dbSNP rs756448097, ClinGen allele CA3933470.

ClinVar aggregate classification (germline): Uncertain significance (1 of 4 stars; one submission).

Conditions:
Mitochondrial DNA depletion syndrome 13. Also called: FBXL4-Related Encephalomyopathic Mitochondrial DNA Depletion Syndrome; Mitochondrial DNA depletion syndrome 13 (encephalomyopathic type). Identifiers: Orphanet 369897, MedGen C3809592, MONDO:0014198, OMIM 615471.

Allele frequency attached by ClinVar (database versions not stated): ExAC 0.00001; gnomAD exomes 0.00001.
gnomAD v4.1: 3 of 1,613,940 alleles (0.00019%); highest among the groups gnomAD compares: Non-Finnish European, 0.00025%; no homozygotes.

Submission:

Wong Mito Lab, Molecular and Human Genetics, Baylor College of Medicine
Classification: Uncertain significance for Mitochondrial DNA depletion syndrome 13. Last evaluated: 2017-08-10. Review status: criteria provided, single submitter. Criteria: ACMG Guidelines, 2015. Collection method: reference population. Allele origin: germline.
Comment: The NM_012160.4:c.1344C>T (NP_036292.2:p.Asn448=) [GRCH38: NC_000006.12:g.98880598G>A] variant in FBXL4 gene is interpretated to be a Uncertain Significance - Insufficient Evidence based on ACMG guidelines (PMID: 25741868). This variant meets one or more of the following evidence codes reported in the ACMG-guideline. PM2:This variant is absent in key population databases. PP3:Computational evidence/predictors indicate the variant has deleterious effect on FBXL4 structure, function, or protein-protein interaction. Based on this evidence code ClinGen Pathogenicity Calculator (PMID:28081714) suggested that the variant is Uncertain Significance - Insufficient Evidence.